The following is an entry in ClinVar:

ClinVar aggregate classification (germline): Uncertain significance. Review status: criteria provided, multiple submitters, no conflicts (2 of 4 stars). 9 submissions from 9 submitters: Uncertain significance (8). 1 of the submissions does not count toward it. Last evaluated 2026-02-20.

Conditions:
Hereditary nonpolyposis colorectal neoplasms. Identifiers: MedGen C0009405, MeSH D003123.
Lynch syndrome. Identifiers: Orphanet 144, MedGen C4552100, MONDO:0005835. Disease mechanism: loss of function.
Hereditary cancer-predisposing syndrome. Also called: Tumor predisposition; Hereditary neoplastic syndrome; Hereditary Cancer Syndrome; Neoplastic Syndromes, Hereditary. Identifiers: Orphanet 140162, MedGen C0027672, MeSH D009386, MONDO:0015356.
Lynch syndrome 4 (LYNCH4). Also called: Hereditary non-polyposis colorectal cancer, type 4; Colorectal cancer, hereditary nonpolyposis, type 4. Identifiers: Orphanet 144, MedGen C1838333, MONDO:0013699, OMIM 614337. Disease mechanism: loss of function.

Allele frequency attached by ClinVar (database versions not stated): gnomAD exomes below 0.00001; TOPMed below 0.00001; gnomAD 0.00001.
gnomAD v4.1: 3 of 1,610,664 alleles (0.00019%); highest among the groups gnomAD compares: Non-Finnish European, 0.00025%; no homozygotes.

Submissions (9):

Ambry Genetics
Classification: Uncertain significance for Hereditary cancer-predisposing syndrome. Last evaluated: 2026-02-20. Review status: criteria provided, single submitter. Criteria: Ambry Variant Classification Scheme 2023. Collection method: clinical testing. Allele origin: germline.
Comment: The c.163+4A>G intronic variant results from an A to G substitution 4 nucleotides after coding exon 2 in the PMS2 gene. This variant was identified in a cohort of 1260 individuals undergoing panel testing for Lynch syndrome due to having a diagnosis of a Lynch-associated cancer and/or polyps (Yurgelun MB et al. Gastroenterology. 2015 Sep;149:604-13.e20). This nucleotide position is highly conserved in available vertebrate species. In silico splice site analysis predicts that this alteration may weaken the native splice donor site; however, direct evidence is insufficient at this time (Ambry internal data). Based on the available evidence, the clinical significance of this variant remains unclear.

Labcorp Genetics (formerly Invitae), Labcorp
Classification: Uncertain significance for Hereditary nonpolyposis colorectal neoplasms. Last evaluated: 2025-09-28. Review status: criteria provided, single submitter. Criteria: Invitae Variant Classification Sherloc (09022015). Collection method: clinical testing. Allele origin: germline.
Comment: This sequence change falls in intron 2 of the PMS2 gene. It does not directly change the encoded amino acid sequence of the PMS2 protein. RNA analysis indicates that this variant induces altered splicing and may result in an absent or altered protein product. This variant is not present in population databases (gnomAD no frequency). This variant has been observed in individual(s) with clinical features of Lynch syndrome (PMID: 25980754). ClinVar contains an entry for this variant (Variation ID: 221108). Variants that disrupt the consensus splice site are a relatively common cause of aberrant splicing (PMID: 17576681, 9536098). Studies have shown that this variant results in skipping of exon 2, and produces a non-functional protein and/or introduces a premature termination codon (internal data). In summary, the available evidence is currently insufficient to determine the role of this variant in disease. Therefore, it has been classified as a Variant of Uncertain Significance.

Color Diagnostics, LLC DBA Color Health
Classification: Uncertain significance for Hereditary cancer-predisposing syndrome. Last evaluated: 2025-06-17. Review status: criteria provided, single submitter. Criteria: ACMG Guidelines, 2015. Collection method: clinical testing. Allele origin: germline.
Comment: This variant causes an A>G nucleotide substitution at the +4 position of intron 2 of the PMS2 gene. Splice site prediction tools are inconclusive regarding the impact of this variant on RNA splicing. This variant has been reported in an individual affected with Lynch syndrome-associated cancer and/or polyps (PMID: 25980754). This variant has not been identified in the general population by the Genome Aggregation Database (gnomAD). The available evidence is insufficient to determine the role of this variant in disease conclusively. Therefore, this variant is classified as a Variant of Uncertain Significance.

Baylor Genetics
Classification: Uncertain significance for Lynch syndrome 4. Last evaluated: 2023-09-22. Review status: criteria provided, single submitter. Criteria: ACMG Guidelines, 2015. Collection method: clinical testing. Allele origin: unknown.

All of Us Research Program, National Institutes of Health
Classification: Uncertain significance for Lynch syndrome. Last evaluated: 2023-05-04. Review status: criteria provided, single submitter. Criteria: ACMG Guidelines, 2015. Collection method: clinical testing. Allele origin: germline. Inheritance: Autosomal dominant inheritance. Observed: 1 variant allele, 1 heterozygote.
Comment: This variant causes an A>G nucleotide substitution at the +4 position of intron 2 of the PMS2 gene. Splice site prediction tools are inconclusive regarding the impact of this variant on RNA splicing. This variant has been reported in an individual affected with Lynch syndrome-associated cancer and/or polyps (PMID: 25980754). This variant has not been identified in the general population by the Genome Aggregation Database (gnomAD). The available evidence is insufficient to determine the role of this variant in disease conclusively. Therefore, this variant is classified as a Variant of Uncertain Significance.

This study involves interpretation of variants in research participants for the purpose of population health screening. Participant phenotype was not available at the time of variant classification. Additional details can be found in publication PMID: 35346344, PMCID: PMC8962531

Myriad Genetics, Inc.
Classification: Uncertain significance for Lynch syndrome 4. Last evaluated: 2023-04-04. Review status: criteria provided, single submitter. Criteria: Myriad Autosomal Dominant, Autosomal Recessive and X-Linked Classification Criteria (2023). Collection method: clinical testing. Allele origin: unknown.
Comment: This variant is classified as a variant of uncertain significance as there is insufficient evidence to determine its impact on protein function and/or cancer risk.

Sema4
Classification: Uncertain significance for Hereditary cancer-predisposing syndrome. Last evaluated: 2021-07-12. Review status: criteria provided, single submitter. Criteria: Sema4 Curation Guidelines. Collection method: curation. Allele origin: germline.
Comment: The PMS2 c.163+4A>G variant has been reported in at least one individual diagnosed with a Lynch syndrome-associated cancer (PMID: 25980754). It was not observed in the large and broad cohorts of the Genome Aggregation Database (PMID: 32461654). The variant has been reported in ClinVar (Variation ID 221108). Splice site prediction tools suggest the variant may disrupt normal splicing, however these predictions have not been confirmed by published transcriptional studies. The evidence is insufficient to meet ACMG/AMP criteria for classifying the variant as benign or pathogenic. Thus, the clinical significance of this variant is currently uncertain.

GeneDx
Classification: Uncertain significance. Last evaluated: 2019-12-23. Review status: criteria provided, single submitter. Criteria: GeneDx Variant Classification Process June 2021. Collection method: clinical testing. Allele origin: germline. Affected: yes.
Comment: Not observed in large population cohorts (Lek 2016); In-silico analysis, which includes splice predictors and evolutionary conservation, is inconclusive as to whether the variant alters gene splicing. In the absence of RNA/functional studies, the actual effect of this sequence change is unknown.; Observed in individuals undergoing multi-gene panel testing for a Lynch syndrome-associated cancer and/or polyps (Yurgelun 2015); This variant is associated with the following publications: (PMID: 25980754)

Counsyl
Classification: Uncertain significance for Lynch syndrome 4. Last evaluated: 2016-04-13. Review status: no assertion criteria provided. Collection method: clinical testing. Allele origin: unknown. Not counted in ClinVar's aggregate classification.

Literature cited by the submitters: PubMed 25980754 (cited by 6 submitters); PubMed 17576681 (cited by Labcorp Genetics (formerly Invitae), Labcorp); PubMed 9536098 (cited by Labcorp Genetics (formerly Invitae), Labcorp).

NM_000535.7(PMS2):c.163+4A>G

Gene: PMS2 (PMS1 homolog 2, mismatch repair system component; minus strand). Cytogenetic location: 7p22.1.
Variant type: single nucleotide variant.
Coding change: c.163+4A>G on transcript NM_000535.7 (MANE Select); 4 bases into the intron after coding-DNA position 163, A replaced by G.
Molecular consequence: intron variant.
Genome position (GRCh38, 1-based): chr7:6,005,888, T>C on the plus strand (A>G on the coding strand, the complement: PMS2 is on the minus strand). VCF-style: chr7-6005888-T-C. GRCh37 (hg19) VCF-style: chr7-6045519-T-C.
Other names: c.-52-1830A>G (NM_001322008.2); c.-242-1830A>G (NM_001322010.2, NM_001322004.2); c.-243+4A>G (NM_001322013.2, NM_001322003.2, NM_001322009.2 and 1 more transcripts); c.-722+4A>G (NM_001322012.2, NM_001322011.2); c.-322+4A>G (NM_001322015.2); c.-53+4A>G (NM_001322007.2); c.163+4A>G (NM_001322006.2, NM_001322014.2).
Identifiers: ClinVar variation 221108 (VCV000221108.29), dbSNP rs864622749, ClinGen allele CA349656.